The following is an entry in ClinVar:

ClinVar aggregate classification (germline): Uncertain significance. Review status: criteria provided, multiple submitters, no conflicts (2 of 4 stars). 2 submissions from 2 submitters: Uncertain significance (2). Last evaluated 2022-01-30.

Allele frequency attached by ClinVar (database versions not stated): gnomAD 0.00003 and 0.00004; TOPMed 0.00004.

Submissions (2):

GeneDx
Classification: Uncertain significance. Last evaluated: 2022-01-30. Review status: criteria provided, single submitter. Criteria: GeneDx Variant Classification Process June 2021. Collection method: clinical testing. Allele origin: germline. Affected: yes.
Comment: Not observed at significant frequency in large population cohorts (gnomAD); In silico analysis supports that this missense variant has a deleterious effect on protein structure/function; Has not been previously published as pathogenic or benign to our knowledge

Labcorp Genetics (formerly Invitae), Labcorp
Classification: Uncertain significance. Last evaluated: 2020-02-22. Review status: criteria provided, single submitter. Criteria: Invitae Variant Classification Sherloc (09022015). Collection method: clinical testing. Allele origin: germline.
Comment: In summary, the available evidence is currently insufficient to determine the role of this variant in disease. Therefore, it has been classified as a Variant of Uncertain Significance. Algorithms developed to predict the effect of missense changes on protein structure and function are either unavailable or do not agree on the potential impact of this missense change (SIFT: "Deleterious"; PolyPhen-2: "Benign"; Align-GVGD: "Class C0"). This variant has not been reported in the literature in individuals with CRB2-related conditions. This variant is not present in population databases (ExAC no frequency). This sequence change replaces methionine with isoleucine at codon 1272 of the CRB2 protein (p.Met1272Ile). The methionine residue is highly conserved and there is a small physicochemical difference between methionine and isoleucine.

NM_173689.7(CRB2):c.3816G>A (p.Met1272Ile)

Gene: CRB2 (crumbs cell polarity complex component 2; plus strand). Cytogenetic location: 9q33.3.
Variant type: single nucleotide variant.
Coding change: c.3816G>A on transcript NM_173689.7 (MANE Select); coding-DNA position 3816, G replaced by A.
Protein change: p.Met1272Ile; replaces methionine 1272 with isoleucine.
Molecular consequence: missense variant. On other transcripts: non-coding transcript variant (1).
Genome position (GRCh38, 1-based): chr9:123,377,020, G>A. VCF-style: chr9-123377020-G-A. GRCh37 (hg19) VCF-style: chr9-126139299-G-A.
Other names: short protein forms M1272I.
Identifiers: ClinVar variation 1059900 (VCV001059900.9), dbSNP rs900941461, ClinGen allele CA199643109.